The following is an entry in ClinVar:

ClinVar aggregate classification (germline): Uncertain significance. Review status: criteria provided, multiple submitters, no conflicts (2 of 4 stars). 2 submissions from 2 submitters: Uncertain significance (2). Last evaluated 2025-08-18.

Conditions:
Neutropenia, severe congenital, 2, autosomal dominant. Identifiers: Orphanet 486, MedGen C2751288, MONDO:0013139, OMIM 613107.

gnomAD v4.1: 1 of 1,518,188 alleles (0.000066%); no homozygotes.

Submissions (2):

Labcorp Genetics (formerly Invitae), Labcorp
Classification: Uncertain significance for Neutropenia, severe congenital, 2, autosomal dominant. Last evaluated: 2025-08-18. Review status: criteria provided, single submitter. Criteria: Invitae Variant Classification Sherloc (09022015). Collection method: clinical testing. Allele origin: germline.
Comment: This sequence change replaces proline, which is neutral and non-polar, with serine, which is neutral and polar, at codon 170 of the GFI1 protein (p.Pro170Ser). This variant is not present in population databases (gnomAD no frequency). This variant has not been reported in the literature in individuals affected with GFI1-related conditions. ClinVar contains an entry for this variant (Variation ID: 3016812). Invitae Evidence Modeling of protein sequence and biophysical properties (such as structural, functional, and spatial information, amino acid conservation, physicochemical variation, residue mobility, and thermodynamic stability) indicates that this missense variant is not expected to disrupt GFI1 protein function with a negative predictive value of 80%. In summary, the available evidence is currently insufficient to determine the role of this variant in disease. Therefore, it has been classified as a Variant of Uncertain Significance.

Ambry Genetics
Classification: Uncertain significance. Last evaluated: 2024-11-20. Review status: criteria provided, single submitter. Criteria: Ambry Variant Classification Scheme 2023. Collection method: clinical testing. Allele origin: germline.
Comment: The p.P170S variant (also known as c.508C>T), located in coding exon 3 of the GFI1 gene, results from a C to T substitution at nucleotide position 508. The proline at codon 170 is replaced by serine, an amino acid with similar properties. This amino acid position is conserved. In addition, this alteration is predicted to be tolerated by in silico analysis. Based on the available evidence, the clinical significance of this variant remains unclear.

NM_005263.5(GFI1):c.508C>T (p.Pro170Ser)

Gene: GFI1 (growth factor independent 1 transcriptional repressor; minus strand). Cytogenetic location: 1p22.1.
Variant type: single nucleotide variant.
Coding change: c.508C>T on transcript NM_005263.5 (MANE Select); coding-DNA position 508, C replaced by T.
Protein change: p.Pro170Ser; replaces proline 170 with serine.
Molecular consequence: missense variant.
Genome position (GRCh38, 1-based): chr1:92,480,879, G>A on the plus strand (C>T on the coding strand, the complement: GFI1 is on the minus strand). VCF-style: chr1-92480879-G-A. GRCh37 (hg19) VCF-style: chr1-92946436-G-A.
Other names: c.508C>T, p.Pro170Ser (NM_001127215.3, NM_001127216.3); short protein forms P170S.
Identifiers: ClinVar variation 3016812 (VCV003016812.4), dbSNP rs2524726942, ClinGen allele CA341149692.